The following is an entry in ClinVar:

ClinVar aggregate classification (germline): Uncertain significance (1 of 4 stars; one submission).

Conditions:
Progressive familial heart block type IB (PFHB1B). Identifiers: Orphanet 871, MedGen C1970298, MONDO:0011474, OMIM 604559.

gnomAD v4.1: 2 of 1,613,760 alleles (0.00012%); highest among the groups gnomAD compares: Non-Finnish European, 0.00017%; no homozygotes.

Submission:

Labcorp Genetics (formerly Invitae), Labcorp
Classification: Uncertain significance for Progressive familial heart block type IB. Last evaluated: 2024-06-11. Review status: criteria provided, single submitter. Criteria: Invitae Variant Classification Sherloc (09022015). Collection method: clinical testing. Allele origin: germline.
Comment: This sequence change affects a donor splice site in intron 2 of the TRPM4 gene. It is expected to disrupt RNA splicing. Variants that disrupt the donor or acceptor splice site typically lead to a loss of protein function (PMID: 16199547), however the current clinical and genetic evidence is not sufficient to establish whether loss-of-function variants in TRPM4 cause disease. This variant is not present in population databases (gnomAD no frequency). This variant has not been reported in the literature in individuals affected with TRPM4-related conditions. Algorithms developed to predict the effect of sequence changes on RNA splicing suggest that this variant may disrupt the consensus splice site. In summary, the available evidence is currently insufficient to determine the role of this variant in disease. Therefore, it has been classified as a Variant of Uncertain Significance.

Literature cited by the submitters: PubMed 16199547.

NM_017636.4(TRPM4):c.92+1G>A

Gene: TRPM4 (transient receptor potential cation channel subfamily M member 4; plus strand). Cytogenetic location: 19q13.33.
Variant type: single nucleotide variant.
Coding change: c.92+1G>A on transcript NM_017636.4 (MANE Select); the canonical splice donor site of the intron after coding-DNA position 92, G replaced by A.
Molecular consequence: splice donor variant.
Genome position (GRCh38, 1-based): chr19:49,158,260, G>A. VCF-style: chr19-49158260-G-A. GRCh37 (hg19) VCF-style: chr19-49661517-G-A.
Other names: c.92+1G>A (NM_001195227.2, NM_001321281.2); c.-1281+1G>A (NM_001321282.2); c.-75+1G>A (NM_001321283.2); c.-238+1G>A (NM_001321285.2).
Identifiers: ClinVar variation 3707483 (VCV003707483.2).